The following is an entry in ClinVar:

ClinVar aggregate classification (germline): Uncertain significance (1 of 4 stars; one submission).

Conditions:
Duchenne muscular dystrophy (DMD). Also called: MUSCULAR DYSTROPHY, PSEUDOHYPERTROPHIC PROGRESSIVE, DUCHENNE TYPE; Duchenne Muscular Dystrophy (DMD). Identifiers: Orphanet 98896, MedGen C0013264, MONDO:0010679, OMIM 310200.

Allele frequency attached by ClinVar (database versions not stated): gnomAD exomes below 0.00001.
gnomAD v4.1: 1 of 1,209,838 alleles (0.000083%); highest among the groups gnomAD compares: Non-Finnish European, 0.00011%; no homozygotes.

Submission:

Labcorp Genetics (formerly Invitae), Labcorp
Classification: Uncertain significance for Duchenne muscular dystrophy. Last evaluated: 2023-06-15. Review status: criteria provided, single submitter. Criteria: Invitae Variant Classification Sherloc (09022015). Collection method: clinical testing. Allele origin: germline.
Comment: This variant has not been reported in the literature in individuals affected with DMD-related conditions. Advanced modeling of protein sequence and biophysical properties (such as structural, functional, and spatial information, amino acid conservation, physicochemical variation, residue mobility, and thermodynamic stability) performed at Invitae indicates that this missense variant is not expected to disrupt DMD protein function. In summary, the available evidence is currently insufficient to determine the role of this variant in disease. Therefore, it has been classified as a Variant of Uncertain Significance. This variant is not present in population databases (gnomAD no frequency). This sequence change replaces aspartic acid, which is acidic and polar, with valine, which is neutral and non-polar, at codon 1685 of the DMD protein (p.Asp1685Val).

NM_004006.3(DMD):c.5054A>T (p.Asp1685Val)

Gene: DMD (dystrophin; minus strand). Cytogenetic location: Xp21.1.
Variant type: single nucleotide variant.
Coding change: c.5054A>T on transcript NM_004006.3 (MANE Select); coding-DNA position 5054, A replaced by T.
Protein change: p.Asp1685Val; replaces aspartic acid 1685 with valine.
Molecular consequence: missense variant.
Genome position (GRCh38, 1-based): chrX:32,364,682, T>A on the plus strand (A>T on the coding strand, the complement: DMD is on the minus strand). VCF-style: chrX-32364682-T-A. GRCh37 (hg19) VCF-style: chrX-32382799-T-A.
Other names: c.5030A>T, p.Asp1677Val (NM_000109.4); c.5042A>T, p.Asp1681Val (NM_004009.3); c.4685A>T, p.Asp1562Val (NM_004010.3); c.1031A>T, p.Asp344Val (NM_004011.4); c.1022A>T, p.Asp341Val (NM_004012.4); short protein forms D1562V, D341V, D1685V, D344V, D1677V, D1681V.
Identifiers: ClinVar variation 2778165 (VCV002778165.3), dbSNP rs2522552900, ClinGen allele CA412671636.